The following is an entry in ClinVar:

ClinVar aggregate classification (germline): Conflicting classifications of pathogenicity. Review status: criteria provided, conflicting classifications (1 of 4 stars). 22 submissions from 22 submitters: Uncertain significance (1); Benign (6); Likely benign (10). 5 of the submissions do not count toward it. Last evaluated 2026-09-01.

Conditions:
BRCA2-related disorder. Also called: BRCA2-related condition; BRCA2-related disorders. Identifiers: MedGen CN239275.
Hereditary cancer-predisposing syndrome. Also called: Neoplastic Syndromes, Hereditary; Tumor predisposition; Hereditary Cancer Syndrome; Hereditary neoplastic syndrome. Identifiers: Orphanet 140162, MedGen C0027672, MeSH D009386, MONDO:0015356.
Breast and/or ovarian cancer. Identifiers: MedGen CN221562.
Hereditary breast ovarian cancer syndrome. Also called: Hereditary breast and/or ovarian cancer syndrome; Hereditary breast and ovarian cancer syndrome; Hereditary breast and ovarian cancer; Hereditary breast and ovarian cancer syndrome (HBOC); Breast and ovarian cancer; BRCA1- and BRCA2-Associated Hereditary Breast and Ovarian Cancer. Identifiers: Orphanet 145, MedGen C0677776, MeSH D061325, MONDO:0003582. Disease mechanism: loss of function.
Breast-ovarian cancer, familial, susceptibility to, 2 (BROVCA2). Also called: BRCA2 Hereditary Breast and Ovarian Cancer. Identifiers: Orphanet 145, MedGen C2675520, MONDO:0012933, OMIM 612555. Disease mechanism: loss of function.
Malignant tumor of breast. Also called: Malignant breast neoplasm; Cancer breast. Identifiers: MedGen C0006142, MONDO:0007254. Disease mechanism: loss of function.

Allele frequency attached by ClinVar (database versions not stated): 1000 Genomes Project 30x 0.00016; 1000 Genomes Project 0.00020; ExAC 0.00023; gnomAD 0.00098 and 0.00108; ESP Exome Variant Server 0.00100; TOPMed 0.00117.
gnomAD v4.1: 297 of 1,614,038 alleles (0.018%); highest among the groups gnomAD compares: African/African-American, 0.35%; no homozygotes.

Submissions (22):

CeGaT Center for Human Genetics Tuebingen
Classification: Likely benign. Last evaluated: 2026-09-01. Review status: criteria provided, single submitter. Criteria: CeGaT Center For Human Genetics Tuebingen Variant Classification Criteria Version 2. Collection method: clinical testing. Allele origin: germline. Affected: yes. Observed: 1 variant allele.
Comment: BRCA2: BP1, BP4, BS1

Labcorp Genetics (formerly Invitae), Labcorp
Classification: Benign for Hereditary breast ovarian cancer syndrome. Last evaluated: 2026-02-04. Review status: criteria provided, single submitter. Criteria: Invitae Variant Classification Sherloc (09022015). Collection method: clinical testing. Allele origin: germline.

Dasa
Classification: Benign. Last evaluated: 2025-12-30. Review status: criteria provided, single submitter. Criteria: DASA Assertion Criteria. Collection method: clinical testing. Allele origin: germline.
Comment: NM_000059.4(BRCA2):c.175C>G (p.Pro59Ala) is a missense variant that results in the substitution of proline with alanine. Population frequency is inconsistent with a disease-causing role for this variant. Therefore, based on the currently available evidence, this variant is classified as benign.

Mayo Clinic Laboratories, Mayo Clinic
Classification: Benign. Last evaluated: 2025-08-27. Review status: criteria provided, single submitter. Criteria: ACMG Guidelines, 2015. Collection method: clinical testing. Allele origin: germline. Observed: 3 variant alleles.
Comment: BA1, BP1_strong, BP4

Center for Genomic Medicine, Rigshospitalet, Copenhagen University Hospital
Classification: Benign. Last evaluated: 2025-03-04. Review status: criteria provided, single submitter. Criteria: ACMG Guidelines, 2015. Collection method: clinical testing. Allele origin: germline.

Blueprint Genetics
Classification: Likely benign. Last evaluated: 2024-09-20. Review status: criteria provided, single submitter. Criteria: ACMG Guidelines, 2015. Collection method: clinical testing. Allele origin: germline.

ARUP Laboratories, Molecular Genetics and Genomics, ARUP Laboratories
Classification: Likely benign. Last evaluated: 2024-02-09. Review status: criteria provided, single submitter. Criteria: ARUP Molecular Germline Variant Investigation Process 2024. Collection method: clinical testing. Allele origin: germline.

CHEO Genetics Diagnostic Laboratory, Children's Hospital of Eastern Ontario
Classification: Likely benign for Breast and/or ovarian cancer. Last evaluated: 2022-07-15. Review status: criteria provided, single submitter. Criteria: ACMG Guidelines, 2015. Collection method: clinical testing. Allele origin: germline.

Quest Diagnostics Nichols Institute San Juan Capistrano
Classification: Benign. Last evaluated: 2022-06-30. Review status: criteria provided, single submitter. Criteria: Quest Diagnostics criteria. Collection method: clinical testing. Allele origin: unknown.

Genetic Services Laboratory, University of Chicago
Classification: Likely benign. Last evaluated: 2021-12-01. Review status: criteria provided, single submitter. Criteria: ACMG Guidelines, 2015. Collection method: clinical testing. Allele origin: germline. Affected: no.

National Health Laboratory Service, Universitas Academic Hospital and University of the Free State
Classification: Likely benign for Hereditary breast ovarian cancer syndrome. Last evaluated: 2021-11-16. Review status: criteria provided, single submitter. Criteria: ACMG Guidelines, 2015. Collection method: clinical testing. Allele origin: germline. Affected: yes. Observed: 5 variant alleles.

Genetics Program, Instituto Nacional de Cancer
Classification: Likely benign for Hereditary breast ovarian cancer syndrome. Last evaluated: 2021-11-01. Review status: criteria provided, single submitter. Criteria: ACMG Guidelines, 2015. Collection method: research. Allele origin: germline. Affected: yes.

GeneDx
Classification: Likely benign. Last evaluated: 2021-06-02. Review status: criteria provided, single submitter. Criteria: GeneDx Variant Classification Process June 2021. Collection method: clinical testing. Allele origin: germline. Affected: yes.
Comment: This variant is associated with the following publications: (PMID: 29668487, 10923033, 24728327, 28873162, 21952622, 12491487)

Sema4
Classification: Likely benign for Hereditary cancer-predisposing syndrome. Last evaluated: 2021-03-21. Review status: criteria provided, single submitter. Criteria: Sema4 Curation Guidelines. Collection method: curation. Allele origin: germline.

Color Diagnostics, LLC DBA Color Health
Classification: Likely benign for Hereditary cancer-predisposing syndrome. Last evaluated: 2015-10-26. Review status: criteria provided, single submitter. Criteria: ACMG Guidelines, 2015. Collection method: clinical testing. Allele origin: germline.

Eurofins Ntd Llc (ga)
Classification: Uncertain significance. Last evaluated: 2014-11-06. Review status: criteria provided, single submitter. Criteria: EGL Classification Definitions 2015. Collection method: clinical testing. Allele origin: germline. Observed: 2 variant alleles, 2 heterozygotes.

Ambry Genetics
Classification: Benign for Hereditary cancer-predisposing syndrome. Last evaluated: 2014-07-21. Review status: criteria provided, single submitter. Criteria: Ambry Variant Classification Scheme 2023. Collection method: clinical testing. Allele origin: germline.

PreventionGenetics, part of Exact Sciences
Classification: Likely benign for BRCA2-related condition. Last evaluated: 2020-11-13. Review status: no assertion criteria provided. Collection method: clinical testing. Allele origin: germline. Not counted in ClinVar's aggregate classification.
Comment: This variant is classified as likely benign based on ACMG/AMP sequence variant interpretation guidelines (Richards et al. 2015 PMID: 25741868, with internal and published modifications).

ITMI
No classification provided. Condition: AllHighlyPenetrant. Last evaluated: 2013-09-19. Review status: no classification provided. Collection method: reference population. Allele origin: germline. Not counted in ClinVar's aggregate classification.
Comment: Please see associated publication for description of ethnicities

Sharing Clinical Reports Project (SCRP)
Classification: Likely benign for Breast-ovarian cancer, familial 2. Last evaluated: 2009-10-22. Review status: no assertion criteria provided. Collection method: clinical testing. Allele origin: germline. Not counted in ClinVar's aggregate classification.

Breast Cancer Information Core (BIC) (BRCA2)
Classification: Uncertain significance for Breast-ovarian cancer, familial 2. Last evaluated: 2004-02-20. Review status: no assertion criteria provided. Collection method: clinical testing. Allele origin: germline. Affected: yes. Observed: 10 variant alleles. Not counted in ClinVar's aggregate classification.

Department of Pathology and Laboratory Medicine, Sinai Health System
Classification: Likely benign for Malignant tumor of breast. Review status: no assertion criteria provided. Collection method: clinical testing. Allele origin: unknown. Affected: yes. Observed: 1 variant allele. Study: The Canadian Open Genetics Repository (COGR). Not counted in ClinVar's aggregate classification.
Comment: The BRCA2 p.Pro59Ala variant was identified in the literature. The variant was also identified in dbSNP (ID: rs56091799) as â€šÃ„ÃºWith Uncertain significance, other alleleâ€šÃ„Ã¹, the Clinvitae and ClinVar databases (classified as benign by Invitae, Ambry Genetics; classified as likely benign by GeneDx, SCRP; classified as uncertain significance by CHEO, Emory Genetics and BIC), the BIC database (10x with unknown clinical importance), and UMD (25x with as an unclassified variant). In UMD the variant was identified in two patients, each with a separate pathogenic variant (BRCA1: c.5541C>A, p.Cys1847X and BRCA2: c.5641_5644delAAAT, p.Lys1881GlnfsX27), increasing the likelihood that the p.Pro59Ala variant does not have clinical significance. This variant was identified in the 1000 Genomes Project in 1 of 5000 chromosomes (frequency: 0.0002), the NHLBI GO Exome Sequencing Project in 13 of 4406 African American alleles (freq. 0.003), the genome Aggregation Database (beta, October 19th 2016) in 87 of 282602 chromosomes (freq. 0.0003), the Exome Aggregation Consortium database (August 8th 2016) in 28 of 121204 chromosomes (freq. 0.0002) in the following populations: African in 28 of 10306 chromosomes (freq. 0.002), but was not seen in Asian, European, Finnish, Latino and Other populations, increasing the likelihood that this may be a low frequency benign variant in certain populations of origin. The variant was not identified in Fanconi Anemia Mutation Database (LOVD), LOVD-IARC database, ARUP Laboratories BRCA Mutations Database, COSMIC, GeneInsight COGR database. Computational analyses (PolyPhen-2, SIFT, AlignGVGD, BLOSUM, MutationTaster) provide inconsistent predictions regarding the impact to the protein and this information is not very predictive of pathogenicity. The variant occurs outside of the splicing consensus sequence and 1 of 5 in silico or computational prediction software programs (SpliceSiteFinder, MaxEntScan, NNSPLICE, GeneSplicer, HumanSpliceFinder) predict a greater than 10% difference in splicing; this is not very predictive of pathogenicity. In summary, based on the above information, the clinical significance of this variant cannot be determined with certainty at this time although we would lean towards a more benign role for this variant. This variant is classified as likely benign.

Literature cited by the submitters: PubMed 24728327 (cited by Quest Diagnostics Nichols Institute San Juan Capistrano and ITMI); PubMed 21952622 (cited by Quest Diagnostics Nichols Institute San Juan Capistrano); PubMed 18284688 (cited by Quest Diagnostics Nichols Institute San Juan Capistrano); PubMed 12491487 (cited by Quest Diagnostics Nichols Institute San Juan Capistrano); DOI 10.3389/fgene.2022.834265 (cited by National Health Laboratory Service, Universitas Academic Hospital and University of the Free State); PubMed 36329109 (cited by Genetics Program, Instituto Nacional de Cancer); PubMed 32444794 (cited by Genetics Program, Instituto Nacional de Cancer).

NM_000059.4(BRCA2):c.175C>G (p.Pro59Ala)

Gene: BRCA2 (BRCA2 DNA repair associated; plus strand). Cytogenetic location: 13q13.1.
Variant type: single nucleotide variant.
Coding change: c.175C>G on transcript NM_000059.4 (MANE Select); coding-DNA position 175, C replaced by G.
Protein change: p.Pro59Ala; replaces proline 59 with alanine.
Molecular consequence: missense variant.
Genome position (GRCh38, 1-based): chr13:32,319,184, C>G. VCF-style: chr13-32319184-C-G. GRCh37 (hg19) VCF-style: chr13-32893321-C-G.
Other names: p.P59A:CCA>GCA; NP_000050.3:p.Pro59Ala; 403C>G; short protein forms P59A.
Identifiers: ClinVar variation 51185 (VCV000051185.84), dbSNP rs56091799, ClinGen allele CA013107.